The following is an entry in ClinVar:

ClinVar aggregate classification (germline): Benign/Likely benign. Review status: criteria provided, multiple submitters, no conflicts (2 of 4 stars). 3 submissions from 3 submitters: Benign (1); Likely benign (2). Last evaluated 2026-04-27.

Conditions:
DGKE-related disorder. Also called: DGKE-related condition.

Allele frequency attached by ClinVar (database versions not stated): TOPMed 0.00003; gnomAD 0.00004; gnomAD exomes 0.00013; 1000 Genomes Project 30x 0.00016; 1000 Genomes Project 0.00020.
gnomAD v4.1: 197 of 1,612,782 alleles (0.012%); highest among the groups gnomAD compares: South Asian, 0.2%; 2 homozygotes.

Submissions (3):

PreventionGenetics, part of Exact Sciences
Classification: Likely benign for DGKE-related condition. Last evaluated: 2026-04-27. Review status: criteria provided, single submitter. Criteria: ACMG Guidelines, 2015. Collection method: clinical testing. Allele origin: germline.
Comment: This variant is classified as likely benign based on ACMG/AMP sequence variant interpretation guidelines (Richards et al. 2015 PMID: 25741868, with internal and published modifications).

Labcorp Genetics (formerly Invitae), Labcorp
Classification: Benign. Last evaluated: 2025-05-27. Review status: criteria provided, single submitter. Criteria: Invitae Variant Classification Sherloc (09022015). Collection method: clinical testing. Allele origin: germline.

Blueprint Genetics
Classification: Likely benign. Last evaluated: 2022-12-20. Review status: criteria provided, single submitter. Criteria: ACMG Guidelines, 2015. Collection method: clinical testing. Allele origin: germline.

NM_003647.3(DGKE):c.225C>T (p.Cys75=)

Gene: DGKE (diacylglycerol kinase epsilon; plus strand). Cytogenetic location: 17q22.
Variant type: single nucleotide variant.
Coding change: c.225C>T on transcript NM_003647.3 (MANE Select); coding-DNA position 225, C replaced by T.
Protein change: p.Cys75=; no amino-acid change (cysteine 75 retained).
Molecular consequence: synonymous variant.
Genome position (GRCh38, 1-based): chr17:56,835,020, C>T. VCF-style: chr17-56835020-C-T. GRCh37 (hg19) VCF-style: chr17-54912381-C-T.
Other names: c.225C>T (NM_003647.2).
Identifiers: ClinVar variation 2758276 (VCV002758276.5), dbSNP rs562198537, ClinGen allele CA8663454.